The following is an entry in ClinVar:

ClinVar aggregate classification (germline): Uncertain significance (1 of 4 stars; one submission).

Submission:

GeneDx
Classification: Uncertain significance. Last evaluated: 2021-03-31. Review status: criteria provided, single submitter. Criteria: GeneDx Variant Classification Process June 2021. Collection method: clinical testing. Allele origin: germline. Affected: yes.
Comment: Not observed in large population cohorts (Lek et al., 2016); In silico analysis supports that this missense variant does not alter protein structure/function; Has not been previously published as pathogenic or benign to our knowledge

NM_001330078.2(NRXN1):c.4097G>A (p.Gly1366Glu)

Gene: NRXN1 (neurexin 1; minus strand). Cytogenetic location: 2p16.3.
Variant type: single nucleotide variant.
Coding change: c.4097G>A on transcript NM_001330078.2 (MANE Select); coding-DNA position 4097, G replaced by A.
Protein change: p.Gly1366Glu; replaces glycine 1366 with glutamic acid.
Molecular consequence: missense variant.
Genome position (GRCh38, 1-based): chr2:50,053,302, C>T on the plus strand (G>A on the coding strand, the complement: NRXN1 is on the minus strand). VCF-style: chr2-50053302-C-T. GRCh37 (hg19) VCF-style: chr2-50280440-C-T.
Other names: c.4217G>A, p.Gly1406Glu (NM_001135659.3); c.4073G>A, p.Gly1358Glu (NM_001330077.2, NM_001330082.2); c.3941G>A, p.Gly1314Glu (NM_001330083.2); c.4031G>A, p.Gly1344Glu (NM_001330084.2); c.4070G>A, p.Gly1357Glu (NM_001330085.2); c.4097G>A, p.Gly1366Glu (NM_001330086.2); c.3896G>A, p.Gly1299Glu (NM_001330087.2, NM_001330096.2); c.3926G>A, p.Gly1309Glu (NM_001330088.2); and 6 more; short protein forms G1299E, G1309E, G1314E, G1319E, G1336E, G1344E, G1357E, G1358E.
Identifiers: ClinVar variation 1317594 (VCV001317594.2), dbSNP rs2152626105, ClinGen allele CA346819398.
Genomic context (GRCh38, chr2:50,053,302, plus strand): 5'-AAATGAAGGAATAAAATCCACAGGCTCACCTGGCTAATGGGTTCTTTTGTCGGGGGCTTT[C>T]CTCTTCTGGCTGTGCTAGTAGCCAGGGTCGTGGTAGTCTCCATAATTGATGTGGACATCT-3'
Protein context (NP_001317007.1, residues 1356-1376): TTLATSTARR[Gly1366Glu]KPPTKEPISQ